The following is an entry in ClinVar:

NM_133433.4(NIPBL):c.7097A>G (p.Gln2366Arg)

Gene: NIPBL (NIPBL cohesin loading factor; plus strand). Cytogenetic location: 5p13.2.
Variant type: single nucleotide variant.
Coding change: c.7097A>G on transcript NM_133433.4 (MANE Select); coding-DNA position 7097, A replaced by G.
Protein change: p.Gln2366Arg; replaces glutamine 2366 with arginine.
Molecular consequence: missense variant.
Genome position (GRCh38, 1-based): chr5:37,052,400, A>G. VCF-style: chr5-37052400-A-G. GRCh37 (hg19) VCF-style: chr5-37052502-A-G.
Other names: c.7097A>G, p.Gln2366Arg (NM_015384.5); short protein forms Q2366R.
Identifiers: ClinVar variation 589360 (VCV000589360.6), dbSNP rs528591545, ClinGen allele CA3237139.

ClinVar aggregate classification (germline): Uncertain significance. Review status: criteria provided, multiple submitters, no conflicts (2 of 4 stars). 2 submissions from 2 submitters: Uncertain significance (2). Last evaluated 2022-09-02.

Conditions:
NIPBL-related disorder. Also called: NIPBL-related condition.
Inborn genetic diseases. Identifiers: MedGen C0950123, MeSH D030342.

Allele frequency attached by ClinVar (database versions not stated): gnomAD exomes below 0.00001 and 0.00001; ExAC 0.00001; gnomAD 0.00001; 1000 Genomes Project 30x 0.00016; 1000 Genomes Project 0.00020.
gnomAD v4.1: 8 of 1,614,132 alleles (0.0005%); highest among the groups gnomAD compares: East Asian, 0.011%; no homozygotes.

Submissions (2):

PreventionGenetics, part of Exact Sciences
Classification: Uncertain significance for NIPBL-related condition. Last evaluated: 2022-09-02. Review status: criteria provided, single submitter. Criteria: ACMG Guidelines, 2015. Collection method: clinical testing. Allele origin: germline.
Comment: The NIPBL c.7097A>G variant is predicted to result in the amino acid substitution p.Gln2366Arg. To our knowledge, this variant has not been reported in the literature. This variant is reported in 0.011% of alleles in individuals of East Asian descent in gnomAD. Although we suspect that this variant may be benign, at this time, the clinical significance of this variant is uncertain due to the absence of conclusive functional and genetic evidence.

Ambry Genetics
Classification: Uncertain significance for Inborn genetic diseases. Last evaluated: 2016-08-26. Review status: criteria provided, single submitter. Criteria: Ambry Variant Classification Scheme 2023. Collection method: clinical testing. Allele origin: germline.
Comment: The p.Q2366R variant (also known as c.7097A>G), located in coding exon 41 of the NIPBL gene, results from an A to G substitution at nucleotide position 7097. The glutamine at codon 2366 is replaced by arginine, an amino acid with highly similar properties. This variant was not reported in population based cohorts in the following databases: Database of Single Nucleotide Polymorphisms (dbSNP), NHLBI Exome Sequencing Project (ESP), and 1000 Genomes Project. In the ESP, this variant was not observed in 6503 samples (13006 alleles) with coverage at this position. This amino acid position is well conserved in available vertebrate species. In addition, the in silico prediction for this alteration is inconclusive. Since supporting evidence is limited at this time, the clinical significance of this alteration remains unclear.